The following is an entry in ClinVar:

NM_000051.4(ATM):c.5810A>G (p.Asn1937Ser)

Genes: ATM (ATM serine/threonine kinase; plus strand), C11orf65 (chromosome 11 open reading frame 65; minus strand). Cytogenetic location: 11q22.3.
Variant type: single nucleotide variant.
Coding change: c.5810A>G on transcript NM_000051.4 (MANE Select); coding-DNA position 5810, A replaced by G.
Protein change: p.Asn1937Ser; replaces asparagine 1937 with serine.
Molecular consequence: missense variant. On other transcripts: intron variant (2).
Genome position (GRCh38, 1-based): chr11:108,310,207, A>G. VCF-style: chr11-108310207-A-G. GRCh37 (hg19) VCF-style: chr11-108180934-A-G.
Other names: c.5810A>G, p.Asn1937Ser (NM_001351834.2); c.641-1136T>C (NM_001330368.2); c.*39-1136T>C (NM_001351110.2); short protein forms N1937S.
Identifiers: ClinVar variation 554050 (VCV000554050.13), dbSNP rs1555110330, ClinGen allele CA382548376.
Genomic context (GRCh38, chr11:108,310,207, plus strand): 5'-CATTTTTCTTTAGACCTTCTTCAGGAACAATTTTTAATGATGCTTTCTGGCTGGATTTAA[A>G]TTATCTAGAAGTTGCCAAGGTAGCTCAGTCTTGTGCTGCTCACTTTACAGCTTTACTCTA-3'
Protein context (NP_000042.3, residues 1927-1947): IFNDAFWLDL[Asn1937Ser]YLEVAKVAQS

ClinVar aggregate classification (germline): Uncertain significance. Review status: criteria provided, multiple submitters, no conflicts (2 of 4 stars). 4 submissions from 4 submitters: Uncertain significance (3). 1 of the submissions does not count toward it. Last evaluated 2025-10-08.

Conditions:
Hereditary cancer-predisposing syndrome. Also called: Hereditary Cancer Syndrome; Neoplastic Syndromes, Hereditary; Tumor predisposition; Hereditary neoplastic syndrome. Identifiers: Orphanet 140162, MedGen C0027672, MeSH D009386, MONDO:0015356.
Ataxia-telangiectasia syndrome (AT). Also called: Cerebello-oculocutaneous telangiectasia; Immunodeficiency with ataxia telangiectasia; Ataxia-telangiectasia, complementation group E; Ataxia-telangiectasia, complementation group D; AT, COMPLEMENTATION GROUP C; ATAXIA-TELANGIECTASIA, COMPLEMENTATION GROUP A. Identifiers: Orphanet 100, MedGen C0004135, MONDO:0008840, OMIM 208900.

Submissions (4):

Ambry Genetics
Classification: Uncertain significance for Hereditary cancer-predisposing syndrome. Last evaluated: 2025-10-08. Review status: criteria provided, single submitter. Criteria: Ambry Variant Classification Scheme 2023. Collection method: clinical testing. Allele origin: germline.
Comment: The p.N1937S variant (also known as c.5810A>G), located in coding exon 38 of the ATM gene, results from an A to G substitution at nucleotide position 5810. The asparagine at codon 1937 is replaced by serine, an amino acid with highly similar properties. This amino acid position is highly conserved in available vertebrate species. In addition, the in silico prediction for this alteration is inconclusive. Based on the available evidence, the clinical significance of this variant remains unclear.

Labcorp Genetics (formerly Invitae), Labcorp
Classification: Uncertain significance for Ataxia-telangiectasia syndrome. Last evaluated: 2024-08-22. Review status: criteria provided, single submitter. Criteria: Invitae Variant Classification Sherloc (09022015). Collection method: clinical testing. Allele origin: germline.
Comment: This sequence change replaces asparagine, which is neutral and polar, with serine, which is neutral and polar, at codon 1937 of the ATM protein (p.Asn1937Ser). This variant is not present in population databases (gnomAD no frequency). This missense change has been observed in individual(s) with breast cancer (PMID: 25452441). ClinVar contains an entry for this variant (Variation ID: 554050). An algorithm developed to predict the effect of missense changes on protein structure and function (PolyPhen-2) suggests that this variant is likely to be disruptive. In summary, the available evidence is currently insufficient to determine the role of this variant in disease. Therefore, it has been classified as a Variant of Uncertain Significance.

Color Diagnostics, LLC DBA Color Health
Classification: Uncertain significance for Hereditary cancer-predisposing syndrome. Last evaluated: 2019-03-10. Review status: criteria provided, single submitter. Criteria: ACMG Guidelines, 2015. Collection method: clinical testing. Allele origin: germline.

Counsyl
Classification: Uncertain significance for Ataxia-telangiectasia syndrome. Last evaluated: 2017-10-06. Review status: no assertion criteria provided. Collection method: clinical testing. Allele origin: unknown. Not counted in ClinVar's aggregate classification.

Literature cited by the submitters: PubMed 25452441 (cited by Labcorp Genetics (formerly Invitae), Labcorp).